The following is an entry in ClinVar:

NM_001371928.1(AHDC1):c.4136A>G (p.His1379Arg)

Gene: AHDC1 (AT-hook DNA binding motif containing 1; minus strand). Cytogenetic location: 1p36.11.
Variant type: single nucleotide variant.
Coding change: c.4136A>G on transcript NM_001371928.1 (MANE Select); coding-DNA position 4136, A replaced by G.
Protein change: p.His1379Arg; replaces histidine 1379 with arginine.
Molecular consequence: missense variant.
Genome position (GRCh38, 1-based): chr1:27,547,980, T>C on the plus strand (A>G on the coding strand, the complement: AHDC1 is on the minus strand). VCF-style: chr1-27547980-T-C. GRCh37 (hg19) VCF-style: chr1-27874491-T-C.
Other names: c.4136A>G, p.His1379Arg (NM_001029882.3); c.92A>G, p.His31Arg (NM_015699.1); short protein forms H1379R, H31R.
Identifiers: ClinVar variation 2008515 (VCV002008515.4), dbSNP rs2521818905, ClinGen allele CA339223579.

ClinVar aggregate classification (germline): Uncertain significance (1 of 4 stars; one submission).

Submission:

Labcorp Genetics (formerly Invitae), Labcorp
Classification: Uncertain significance. Last evaluated: 2022-06-19. Review status: criteria provided, single submitter. Criteria: Invitae Variant Classification Sherloc (09022015). Collection method: clinical testing. Allele origin: germline.
Comment: This sequence change replaces histidine, which is basic and polar, with arginine, which is basic and polar, at codon 1379 of the AHDC1 protein (p.His1379Arg). This variant is not present in population databases (gnomAD no frequency). This variant has not been reported in the literature in individuals affected with AHDC1-related conditions. Algorithms developed to predict the effect of missense changes on protein structure and function (SIFT, PolyPhen-2, Align-GVGD) all suggest that this variant is likely to be tolerated. In summary, the available evidence is currently insufficient to determine the role of this variant in disease. Therefore, it has been classified as a Variant of Uncertain Significance.